The following is an entry in ClinVar:

ClinVar aggregate classification (germline): Uncertain significance (1 of 4 stars; one submission).

Allele frequency attached by ClinVar (database versions not stated): gnomAD 0.00001; TOPMed 0.00003; ExAC 0.00006.
gnomAD v4.1: 24 of 1,613,840 alleles (0.0015%); highest among the groups gnomAD compares: Admixed American, 0.038%; no homozygotes.

Submission:

Labcorp Genetics (formerly Invitae), Labcorp
Classification: Uncertain significance. Last evaluated: 2024-02-08. Review status: criteria provided, single submitter. Criteria: Invitae Variant Classification Sherloc (09022015). Collection method: clinical testing. Allele origin: germline.
Comment: This sequence change replaces valine, which is neutral and non-polar, with phenylalanine, which is neutral and non-polar, at codon 656 of the IMPG1 protein (p.Val656Phe). This variant is present in population databases (rs749953054, gnomAD 0.06%). This missense change has been observed in individual(s) with inherited retinal dystrophy (Invitae). ClinVar contains an entry for this variant (Variation ID: 1024084). An algorithm developed to predict the effect of missense changes on protein structure and function (PolyPhen-2) suggests that this variant is likely to be tolerated. In summary, the available evidence is currently insufficient to determine the role of this variant in disease. Therefore, it has been classified as a Variant of Uncertain Significance.

NM_001563.4(IMPG1):c.1966G>T (p.Val656Phe)

Gene: IMPG1 (interphotoreceptor matrix proteoglycan 1; minus strand). Cytogenetic location: 6q14.1.
Variant type: single nucleotide variant.
Coding change: c.1966G>T on transcript NM_001563.4 (MANE Select); coding-DNA position 1966, G replaced by T.
Protein change: p.Val656Phe; replaces valine 656 with phenylalanine.
Molecular consequence: missense variant.
Genome position (GRCh38, 1-based): chr6:75,947,392, C>A on the plus strand (G>T on the coding strand, the complement: IMPG1 is on the minus strand). VCF-style: chr6-75947392-C-A. GRCh37 (hg19) VCF-style: chr6-76657109-C-A.
Other names: c.1732G>T, p.Val578Phe (NM_001282368.2); short protein forms V578F, V656F.
Identifiers: ClinVar variation 1024084 (VCV001024084.6), dbSNP rs749953054, ClinGen allele CA3897989.